The following is an entry in ClinVar:

NM_019892.6(INPP5E):c.1465G>A (p.Val489Met)

Gene: INPP5E (inositol polyphosphate-5-phosphatase E; minus strand). Cytogenetic location: 9q34.3.
Variant type: single nucleotide variant.
Coding change: c.1465G>A on transcript NM_019892.6 (MANE Select); coding-DNA position 1465, G replaced by A.
Protein change: p.Val489Met; replaces valine 489 with methionine.
Molecular consequence: missense variant.
Genome position (GRCh38, 1-based): chr9:136,431,908, C>T on the plus strand (G>A on the coding strand, the complement: INPP5E is on the minus strand). VCF-style: chr9-136431908-C-T. GRCh37 (hg19) VCF-style: chr9-139326360-C-T.
Other names: c.1465G>A (NM_019892.5, NM_019892.4); c.1462G>A, p.Val488Met (NM_001318502.2); short protein forms V488M, V489M.
Identifiers: ClinVar variation 1057343 (VCV001057343.13), dbSNP rs781083748, ClinGen allele CA5336785.

ClinVar aggregate classification (germline): Uncertain significance. Review status: criteria provided, multiple submitters, no conflicts (2 of 4 stars). 4 submissions from 4 submitters: Uncertain significance (3). 1 of the submissions does not count toward it. Last evaluated 2021-09-27.

Conditions:
INPP5E-related disorder. Also called: INPP5E-related condition.
Inborn genetic diseases. Identifiers: MedGen C0950123, MeSH D030342.
Joubert syndrome. Also called: JOUBERT-BOLTSHAUSER SYNDROME; Familial aplasia of the vermis. Identifiers: Orphanet 475, MedGen C5979921, MONDO:0018772.

Allele frequency attached by ClinVar (database versions not stated): gnomAD 0.00001; TOPMed 0.00001; ExAC 0.00002; gnomAD exomes 0.00002.
gnomAD v4.1: 19 of 1,611,116 alleles (0.0012%); highest among the groups gnomAD compares: South Asian, 0.011%; no homozygotes.

Submissions (4):

Ambry Genetics
Classification: Uncertain significance for Inborn genetic diseases. Last evaluated: 2021-09-27. Review status: criteria provided, single submitter. Criteria: Ambry Variant Classification Scheme 2023. Collection method: clinical testing. Allele origin: germline.

Labcorp Genetics (formerly Invitae), Labcorp
Classification: Uncertain significance for Joubert syndrome. Last evaluated: 2021-08-26. Review status: criteria provided, single submitter. Criteria: Invitae Variant Classification Sherloc (09022015). Collection method: clinical testing. Allele origin: germline.
Comment: This sequence change replaces valine with methionine at codon 489 of the INPP5E protein (p.Val489Met). The valine residue is highly conserved and there is a small physicochemical difference between valine and methionine. This variant is present in population databases (rs781083748, ExAC 0.01%). This variant has not been reported in the literature in individuals affected with INPP5E-related conditions. Algorithms developed to predict the effect of missense changes on protein structure and function are either unavailable or do not agree on the potential impact of this missense change (SIFT: "Deleterious"; PolyPhen-2: "Possibly Damaging"; Align-GVGD: "Class C0"). In summary, the available evidence is currently insufficient to determine the role of this variant in disease. Therefore, it has been classified as a Variant of Uncertain Significance.

Blueprint Genetics
Classification: Uncertain significance. Last evaluated: 2019-08-06. Review status: criteria provided, single submitter. Criteria: ACMG Guidelines, 2015. Collection method: clinical testing. Allele origin: germline.

PreventionGenetics, part of Exact Sciences
Classification: Uncertain significance for INPP5E-related condition. Last evaluated: 2024-05-31. Review status: no assertion criteria provided. Collection method: clinical testing. Allele origin: germline. Not counted in ClinVar's aggregate classification.
Comment: The INPP5E c.1465G>A variant is predicted to result in the amino acid substitution p.Val489Met. To our knowledge, this variant has not been reported in the literature. This variant is reported in 0.0098% of alleles in individuals of South Asian descent in gnomAD. At this time, the clinical significance of this variant is uncertain due to the absence of conclusive functional and genetic evidence.